The following is an entry in ClinVar:

ClinVar aggregate classification (germline): Likely pathogenic. Review status: criteria provided, multiple submitters, no conflicts (2 of 4 stars). 2 submissions from 2 submitters: Likely pathogenic (2). Last evaluated 2025-01-09.

Conditions:
Pituitary adenoma 5, multiple types. Identifiers: MedGen C4539685, MONDO:0054601, OMIM 617540.
Autosomal recessive nonsyndromic hearing loss 12. Also called: DEAFNESS, AUTOSOMAL RECESSIVE 12. Identifiers: Orphanet 90636, MedGen C1832394, MONDO:0011067, OMIM 601386.

Submissions (2):

Institute of Rare Diseases, West China Hospital, Sichuan University
Classification: Likely pathogenic for Autosomal recessive nonsyndromic hearing loss 12. Last evaluated: 2025-01-09. Review status: criteria provided, single submitter. Criteria: ClinGen HL ACMG Specifications v1. Collection method: research. Allele origin: germline. Affected: yes.
Comment: PVS1;PM2_Supporting

Baylor Genetics
Classification: Likely pathogenic for Pituitary adenoma 5, multiple types. Last evaluated: 2023-12-14. Review status: criteria provided, single submitter. Criteria: ACMG Guidelines, 2015. Collection method: clinical testing. Allele origin: unknown.

NM_022124.6(CDH23):c.522del (p.Ser175fs)

Gene: CDH23 (cadherin related 23; plus strand). Cytogenetic location: 10q22.1.
Variant type: Deletion.
Coding change: c.522del on transcript NM_022124.6 (MANE Select); coding-DNA position 522, one base deleted (C; older notation c.522delC).
Protein change: p.Ser175fs; shifts the reading frame from serine 175.
Molecular consequence: frameshift variant.
Genome position (GRCh38, 1-based): chr10:71,566,834, C deleted; the last of 6 consecutive C bases (chr10:71,566,829-71,566,834); deleting any one gives the same sequence. VCF-style (leftmost placement, unchanged base first): chr10-71566828-GC-G. GRCh37 (hg19) VCF-style: chr10-73326585-GC-G.
Other names: c.522del, p.Ser175fs (NM_001171930.2, NM_001171931.2, NM_001171932.2 and 1 more transcripts); short protein forms S175fs.
Identifiers: ClinVar variation 3241054 (VCV003241054.2), dbSNP rs2493463533.